The following is an entry in ClinVar:

NM_004608.4(TBX6):c.1203T>C (p.Ala401=)

Gene: TBX6 (T-box transcription factor 6; minus strand). Cytogenetic location: 16p11.2.
Variant type: single nucleotide variant.
Coding change: c.1203T>C on transcript NM_004608.4 (MANE Select); coding-DNA position 1203, T replaced by C.
Protein change: p.Ala401=; no amino-acid change (alanine 401 retained).
Molecular consequence: synonymous variant.
Genome position (GRCh38, 1-based): chr16:30,086,333, A>G on the plus strand (T>C on the coding strand, the complement: TBX6 is on the minus strand). VCF-style: chr16-30086333-A-G. GRCh37 (hg19) VCF-style: chr16-30097654-A-G.
Identifiers: ClinVar variation 743868 (VCV000743868.11), dbSNP rs752267612, ClinGen allele CA8001643.
Genomic context (GRCh38, chr16:30,086,333, plus strand): 5'-GTATGGTAGAGGGAAGGGGCCCCCTTGGAGAAAGTGCGGGGCAAAGGGTACCGCCGGTGG[A>G]GCCGCTGGGTACCCGGAGCCCCCTGACCCGTGCGGCAGCTCCAGAAATGCAGCCGAGTAG-3'
Protein context (NP_004599.2, residues 391-411): HGSGGSGYPA[Ala401=]PPAVPFAPHF

ClinVar aggregate classification (germline): Benign/Likely benign. Review status: criteria provided, multiple submitters, no conflicts (2 of 4 stars). 3 submissions from 3 submitters: Benign (1); Likely benign (1). 1 of the submissions does not count toward it. Last evaluated 2026-07-01.

Conditions:
TBX6-related disorder. Also called: TBX6-related condition.

Allele frequency attached by ClinVar (database versions not stated): ExAC 0.00034; gnomAD 0.00003 and 0.00004; gnomAD exomes 0.00009 and 0.00020; TOPMed 0.00015.

Submissions (3):

CeGaT Center for Human Genetics Tuebingen
Classification: Likely benign. Last evaluated: 2026-07-01. Review status: criteria provided, single submitter. Criteria: CeGaT Center For Human Genetics Tuebingen Variant Classification Criteria Version 2. Collection method: clinical testing. Allele origin: germline. Affected: yes. Observed: 1 variant allele.
Comment: TBX6: BP4, BP7

Labcorp Genetics (formerly Invitae), Labcorp
Classification: Benign. Last evaluated: 2025-07-02. Review status: criteria provided, single submitter. Criteria: Invitae Variant Classification Sherloc (09022015). Collection method: clinical testing. Allele origin: germline.

PreventionGenetics, part of Exact Sciences
Classification: Likely benign for TBX6-related condition. Last evaluated: 2022-06-29. Review status: no assertion criteria provided. Collection method: clinical testing. Allele origin: germline. Not counted in ClinVar's aggregate classification.
Comment: This variant is classified as likely benign based on ACMG/AMP sequence variant interpretation guidelines (Richards et al. 2015 PMID: 25741868, with internal and published modifications).